The following is an entry in ClinVar:

ClinVar aggregate classification (germline): Uncertain significance (1 of 4 stars; one submission).

Conditions:
Epilepsy, familial adult myoclonic, 5 (EPEO5). Also called: CORTICAL MYOCLONIC TREMOR WITH EPILEPSY, FAMILIAL, 5. Identifiers: Orphanet 86814, MedGen C3809374, MONDO:0014167, OMIM 615400.

Allele frequency attached by ClinVar (database versions not stated): TOPMed below 0.00001; gnomAD 0.00001.

Submission:

Labcorp Genetics (formerly Invitae), Labcorp
Classification: Uncertain significance for Epilepsy, familial adult myoclonic, 5. Last evaluated: 2022-08-23. Review status: criteria provided, single submitter. Criteria: Invitae Variant Classification Sherloc (09022015). Collection method: clinical testing. Allele origin: germline.
Comment: ClinVar contains an entry for this variant (Variation ID: 935442). This sequence change falls in intron 8 of the CNTN2 gene. It does not directly change the encoded amino acid sequence of the CNTN2 protein. It affects a nucleotide within the consensus splice site. This variant is not present in population databases (gnomAD no frequency). This variant has not been reported in the literature in individuals affected with CNTN2-related conditions. Variants that disrupt the consensus splice site are a relatively common cause of aberrant splicing (PMID: 17576681, 9536098). Algorithms developed to predict the effect of sequence changes on RNA splicing suggest that this variant is not likely to affect RNA splicing. In summary, the available evidence is currently insufficient to determine the role of this variant in disease. Therefore, it has been classified as a Variant of Uncertain Significance.

Literature cited by the submitters: PubMed 17576681; PubMed 9536098.

NM_005076.5(CNTN2):c.973+5A>G

Gene: CNTN2 (contactin 2; plus strand). Cytogenetic location: 1q32.1.
Variant type: single nucleotide variant.
Coding change: c.973+5A>G on transcript NM_005076.5 (MANE Select); 5 bases into the intron after coding-DNA position 973, A replaced by G.
Molecular consequence: intron variant.
Genome position (GRCh38, 1-based): chr1:205,061,425, A>G. VCF-style: chr1-205061425-A-G. GRCh37 (hg19) VCF-style: chr1-205030553-A-G.
Other names: c.973+5A>G (NM_001346083.2).
Identifiers: ClinVar variation 935442 (VCV000935442.9), dbSNP rs1224395695, ClinGen allele CA730410382.